The following is an entry in ClinVar:

NM_014476.6(PDLIM3):c.328C>G (p.Gln110Glu)

Gene: PDLIM3 (PDZ and LIM domain 3; minus strand). Cytogenetic location: 4q35.1.
Variant type: single nucleotide variant.
Coding change: c.328C>G on transcript NM_014476.6 (MANE Select); coding-DNA position 328, C replaced by G.
Protein change: p.Gln110Glu; replaces glutamine 110 with glutamic acid.
Molecular consequence: missense variant. On other transcripts: non-coding transcript variant (1), intron variant (1).
Genome position (GRCh38, 1-based): chr4:185,523,364, G>C on the plus strand (C>G on the coding strand, the complement: PDLIM3 is on the minus strand). VCF-style: chr4-185523364-G-C. GRCh37 (hg19) VCF-style: chr4-186444518-G-C.
Other names: c.328C>G, p.Gln110Glu (NM_001114107.5, NM_001257962.2); c.94-9027C>G (NM_001257963.2); short protein forms Q110E.
Identifiers: ClinVar variation 3887496 (VCV003887496.1).

ClinVar aggregate classification (germline): Uncertain significance (1 of 4 stars; one submission).

Submission:

Ambry Genetics
Classification: Uncertain significance. Last evaluated: 2025-02-10. Review status: criteria provided, single submitter. Criteria: Ambry Variant Classification Scheme 2023. Collection method: clinical testing. Allele origin: germline.
Comment: The p.Q110E variant (also known as c.328C>G), located in coding exon 3 of the PDLIM3 gene, results from a C to G substitution at nucleotide position 328. The glutamine at codon 110 is replaced by glutamic acid, an amino acid with highly similar properties. This amino acid position is conserved. In addition, this alteration is predicted to be tolerated by in silico analysis. Based on the available evidence, the clinical significance of this variant remains unclear.